The following is an entry in ClinVar:

NM_152383.5(DIS3L2):c.1027GATTTCTCT[1] (p.343DFS[1])

Gene: DIS3L2 (DIS3 like 3'-5' exoribonuclease 2; plus strand). Cytogenetic location: 2q37.1.
Variant type: Microsatellite.
Coding change: c.1027GATTTCTCT[1] on transcript NM_152383.5 (MANE Select); one copy of the 9-base unit GATTTCTCT starting at c.1027; the reference has two copies in a row; one copy, 9 bases deleted.
Protein change: p.343DFS[1].
Molecular consequence: inframe deletion. On other transcripts: non-coding transcript variant (2).
Genome position (GRCh38, 1-based): chr2:232,163,544-232,163,552, GATTTCTCT deleted; deleting any 9 consecutive bases within chr2:232,163,535-232,163,552 gives the same sequence; the position shown is the placement nearest the transcript's 3' end. VCF-style (leftmost placement, unchanged base first): chr2-232163534-GGATTTCTCT-G. GRCh37 (hg19) VCF-style: chr2-233028244-GGATTTCTCT-G.
Other names: c.1027GATTTCTCT[1], p.343DFS[1] (NM_001257281.2).
Identifiers: ClinVar variation 838730 (VCV000838730.1), dbSNP rs1690716970, ClinGen allele CA916081397.

ClinVar aggregate classification (germline): Uncertain significance (1 of 4 stars; one submission).

Conditions:
Perlman syndrome (PRLMNS). Identifiers: Orphanet 2849, MedGen C0796113, MONDO:0009965, OMIM 267000.

Submission:

Labcorp Genetics (formerly Invitae), Labcorp
Classification: Uncertain significance for Renal hamartomas nephroblastomatosis and fetal gigantism. Last evaluated: 2019-12-30. Review status: criteria provided, single submitter. Criteria: Invitae Variant Classification Sherloc (09022015). Collection method: clinical testing. Allele origin: germline.
Comment: This variant, c.1036_1044del, results in the deletion of 3 amino acid(s) of the DIS3L2 protein (p.Asp346_Ser348del), but otherwise preserves the integrity of the reading frame. This variant is not present in population databases (ExAC no frequency). This variant has not been reported in the literature in individuals with DIS3L2-related conditions. Experimental studies and prediction algorithms are not available or were not evaluated, and the functional significance of this variant is currently unknown. In summary, the available evidence is currently insufficient to determine the role of this variant in disease. Therefore, it has been classified as a Variant of Uncertain Significance.